The following is an entry in ClinVar:

NM_000020.3(ACVRL1):c.336del (p.Gln112fs)

Gene: ACVRL1 (activin A receptor like type 1; plus strand). Cytogenetic location: 12q13.13.
Variant type: Deletion.
Coding change: c.336del on transcript NM_000020.3 (MANE Select); coding-DNA position 336, one base deleted (G; older notation c.336delG).
Protein change: p.Gln112fs; shifts the reading frame from glutamine 112.
Molecular consequence: frameshift variant.
Genome position (GRCh38, 1-based): chr12:51,913,581, G deleted. VCF-style (leftmost placement, unchanged base first): chr12-51913580-AG-A. GRCh37 (hg19) VCF-style: chr12-52307364-AG-A.
Other names: c.336del, p.Gln112fs (NM_001077401.2); short protein forms Q112fs.
Identifiers: ClinVar variation 957225 (VCV000957225.7), dbSNP rs1940750523, ClinGen allele CA1139662696.

ClinVar aggregate classification (germline): Pathogenic (1 of 4 stars; one submission).

Conditions:
Telangiectasia, hereditary hemorrhagic, type 2 (HHT2). Also called: ACVRL1-Related Hereditary Hemorrhagic Telangiectasia; Telangiectasia, hereditary hemorrhagic, type II. Identifiers: Orphanet 774, MedGen C1838163, MONDO:0010880, OMIM 600376. Disease mechanism: loss of function.

Submission:

Labcorp Genetics (formerly Invitae), Labcorp
Classification: Pathogenic for Telangiectasia, hereditary hemorrhagic, type 2. Last evaluated: 2019-09-12. Review status: criteria provided, single submitter. Criteria: Invitae Variant Classification Sherloc (09022015). Collection method: clinical testing. Allele origin: germline.
Comment: For these reasons, this variant has been classified as Pathogenic. Loss-of-function variants in ACVRL1 are known to be pathogenic (PMID: 15879500). This variant has not been reported in the literature in individuals with ACVRL1-related conditions. This variant is not present in population databases (ExAC no frequency). This sequence change creates a premature translational stop signal (p.Gln112Hisfs*10) in the ACVRL1 gene. It is expected to result in an absent or disrupted protein product.

Literature cited by the submitters: PubMed 15879500.